The following is an entry in ClinVar:

NM_003573.2(LTBP4):c.231-214C>A

Gene: LTBP4 (latent transforming growth factor beta binding protein 4; plus strand). Cytogenetic location: 19q13.2.
Variant type: single nucleotide variant.
Coding change: c.231-214C>A on transcript NM_003573.2; 214 bases into the intron before coding-DNA position 231, C replaced by A.
Molecular consequence: intron variant.
Genome position (GRCh38, 1-based): chr19:40,599,854, C>A. VCF-style: chr19-40599854-C-A. GRCh37 (hg19) VCF-style: chr19-41105760-C-A.
Other names: c.342-214C>A (NM_001042544.1).
Identifiers: ClinVar variation 679981 (VCV000679981.4), dbSNP rs146831875, ClinGen allele CA15952660.
Genomic context (GRCh38, chr19:40,599,854, plus strand): 5'-TTCCTCTCTCTCTTTCTCCCTGTGTCTCACTGCCTGCCTCTATGTCTAAGTCTCTCTGCC[C>A]CTTCTCTCTTTCTCTCCCCCAACCCCCATCATCTCTCTTTCTCTCAGGGTCTTTGTTTCT-3'

ClinVar aggregate classification (germline): Likely benign. Review status: criteria provided, multiple submitters, no conflicts (2 of 4 stars). 2 submissions from 2 submitters: Likely benign (2). Last evaluated 2018-06-19.

Allele frequency attached by ClinVar (database versions not stated): gnomAD 0.00978 and 0.00965; 1000 Genomes Project 0.00639; TOPMed 0.01026; 1000 Genomes Project 30x 0.00656.
gnomAD v4.1: 5,660 of 516,618 alleles (1.1%); highest among the groups gnomAD compares: Middle Eastern, 2.2%; 50 homozygotes.

Submissions (2):

GeneDx
Classification: Likely benign. Last evaluated: 2018-06-19. Review status: criteria provided, single submitter. Criteria: GeneDx Variant Classification (06012015). Collection method: clinical testing. Allele origin: germline. Affected: yes.
Comment: This variant is considered likely benign or benign based on one or more of the following criteria: it is a conservative change, it occurs at a poorly conserved position in the protein, it is predicted to be benign by multiple in silico algorithms, and/or has population frequency not consistent with disease.

Breakthrough Genomics
Classification: Likely benign. Review status: criteria provided, single submitter. Criteria: ACMG Guidelines, 2015. Collection method: not provided. Allele origin: germline. Inheritance: Autosomal recessive inheritance. Affected: yes.